The following is an entry in ClinVar:

ClinVar aggregate classification (germline): Uncertain significance (1 of 4 stars; one submission).

Allele frequency attached by ClinVar (database versions not stated): gnomAD 0.00001; gnomAD exomes 0.00001; TOPMed 0.00004.
gnomAD v4.1: 11 of 1,614,006 alleles (0.00068%); highest among the groups gnomAD compares: Non-Finnish European, 0.00093%; no homozygotes.

Submission:

Labcorp Genetics (formerly Invitae), Labcorp
Classification: Uncertain significance. Last evaluated: 2022-02-20. Review status: criteria provided, single submitter. Criteria: Invitae Variant Classification Sherloc (09022015). Collection method: clinical testing. Allele origin: germline.
Comment: This sequence change replaces histidine, which is basic and polar, with arginine, which is basic and polar, at codon 3878 of the FAT4 protein (p.His3878Arg). This variant is not present in population databases (gnomAD no frequency). This variant has not been reported in the literature in individuals affected with FAT4-related conditions. Advanced modeling of protein sequence and biophysical properties (such as structural, functional, and spatial information, amino acid conservation, physicochemical variation, residue mobility, and thermodynamic stability) performed at Invitae indicates that this missense variant is not expected to disrupt FAT4 protein function. In summary, the available evidence is currently insufficient to determine the role of this variant in disease. Therefore, it has been classified as a Variant of Uncertain Significance.

NM_001291303.3(FAT4):c.11639A>G (p.His3880Arg)

Gene: FAT4 (FAT atypical cadherin 4; plus strand). Cytogenetic location: 4q28.1.
Variant type: single nucleotide variant.
Coding change: c.11639A>G on transcript NM_001291303.3 (MANE Select); coding-DNA position 11639, A replaced by G.
Protein change: p.His3880Arg; replaces histidine 3880 with arginine.
Molecular consequence: missense variant.
Genome position (GRCh38, 1-based): chr4:125,452,649, A>G. VCF-style: chr4-125452649-A-G. GRCh37 (hg19) VCF-style: chr4-126373804-A-G.
Other names: c.11639A>G, p.His3880Arg (NM_001291285.3); c.11633A>G, p.His3878Arg (NM_024582.6); short protein forms H3880R, H3878R.
Identifiers: ClinVar variation 2096448 (VCV002096448.1), dbSNP rs1488587604, ClinGen allele CA358163443.